The following is an entry in ClinVar:

ClinVar aggregate classification (germline): Benign. Review status: criteria provided, multiple submitters, no conflicts (2 of 4 stars). 13 submissions from 11 submitters: Benign (11). 2 of the submissions do not count toward it. Last evaluated 2026-02-04.

Conditions:
Hypophosphatasia. Also called: Phosphoethanol-aminuria. Identifiers: Orphanet 436, MedGen C0020630, MeSH D007014, MONDO:0018570.
Childhood hypophosphatasia. Identifiers: Orphanet 247667, Orphanet 436, MedGen C0220743, MONDO:1010168, OMIM 241510, MONDO:0009428.
Adult hypophosphatasia. Identifiers: Orphanet 247676, Orphanet 436, MedGen C0268413, MONDO:1010154, OMIM 146300, MONDO:0007798.
Infantile hypophosphatasia. Identifiers: Orphanet 247651, Orphanet 436, MedGen C0268412, MONDO:1010169, OMIM 241500, MONDO:0009427.

Allele frequency attached by ClinVar (database versions not stated): ESP Exome Variant Server 0.14839; ExAC 0.17792; gnomAD 0.18464 and 0.18904; TOPMed 0.19701; 1000 Genomes Project 30x 0.27046; 1000 Genomes Project 0.27177.
gnomAD v4.1: 238,514 of 1,608,524 alleles (15%); highest among the groups gnomAD compares: East Asian, 50%; 22,663 homozygotes.

Submissions 1 to 30 of 55:

Labcorp Genetics (formerly Invitae), Labcorp
Classification: Benign. Last evaluated: 2026-02-04. Review status: criteria provided, single submitter. Criteria: Invitae Variant Classification Sherloc (09022015). Collection method: clinical testing. Allele origin: germline.

Genomenon, Inc
Classification: Benign for Hypophosphatasia. Last evaluated: 2025-08-29. Review status: criteria provided, single submitter. Criteria: Genomenon Sequence Variant Interpretation Standards. Collection method: curation. Allele origin: germline. Affected: no.
Comment: ALPL c.863-12C>G is an intronic variant located in intron 8. This variant is present at high allele frequency in population databases. In conclusion, we classify ALPL c.863-12C>G as a benign variant.

Blueprint Genetics
Classification: Benign. Last evaluated: 2024-11-26. Review status: criteria provided, single submitter. Criteria: ACMG Guidelines, 2015. Collection method: clinical testing. Allele origin: germline.

Genome-Nilou Lab
Classification: Benign for Infantile hypophosphatasia. Last evaluated: 2021-07-01. Review status: criteria provided, single submitter. Criteria: ACMG Guidelines, 2015. Collection method: clinical testing. Allele origin: germline. Affected: no.

Genome-Nilou Lab
Classification: Benign for Childhood hypophosphatasia. Last evaluated: 2021-07-01. Review status: criteria provided, single submitter. Criteria: ACMG Guidelines, 2015. Collection method: clinical testing. Allele origin: germline. Affected: no.

Genome-Nilou Lab
Classification: Benign for Adult hypophosphatasia. Last evaluated: 2021-07-01. Review status: criteria provided, single submitter. Criteria: ACMG Guidelines, 2015. Collection method: clinical testing. Allele origin: germline. Affected: no.

GeneDx
Classification: Benign. Last evaluated: 2018-08-20. Review status: criteria provided, single submitter. Criteria: GeneDx Variant Classification Process June 2021. Collection method: clinical testing. Allele origin: germline. Affected: yes.

Illumina Laboratory Services, Illumina
Classification: Benign for Hypophosphatasia. Last evaluated: 2018-01-13. Review status: criteria provided, single submitter. Criteria: ICSL Variant Classification Criteria 13 December 2019. Collection method: clinical testing. Allele origin: germline.
Comment: This variant was observed in the ICSL laboratory as part of a predisposition screen in an ostensibly healthy population. It had not been previously curated by ICSL or reported in the Human Gene Mutation Database (HGMD: prior to June 1st, 2018), and was therefore a candidate for classification through an automated scoring system. Utilizing variant allele frequency, disease prevalence and penetrance estimates, and inheritance mode, an automated score was calculated to assess if this variant is too frequent to cause the disease. Based on the score and internal cut-off values, a variant classified as benign is not then subjected to further curation. The score for this variant resulted in a classification of benign for this disease.

Eurofins Ntd Llc (ga)
Classification: Benign. Last evaluated: 2016-10-17. Review status: criteria provided, single submitter. Criteria: EGL Classification Definitions 2015. Collection method: clinical testing. Allele origin: germline. Observed: 3 variant alleles, 2 heterozygotes, 1 homozygote.

Breakthrough Genomics
Classification: Benign. Review status: criteria provided, single submitter. Criteria: ACMG Guidelines, 2015. Collection method: not provided. Allele origin: germline. Inheritance: Autosomal recessive inheritance. Affected: yes.

PreventionGenetics, part of Exact Sciences
Classification: Benign. Review status: criteria provided, single submitter. Criteria: ACMG Guidelines, 2015. Collection method: clinical testing. Allele origin: germline.

Clinical Genetics DNA and cytogenetics Diagnostics Lab, Erasmus MC, Erasmus Medical Center
Classification: Benign. Review status: no assertion criteria provided. Collection method: clinical testing. Allele origin: germline. Affected: yes. Study: VKGL Data-share Consensus. Not counted in ClinVar's aggregate classification.

Dr. Peter K. Rogan Lab, Western University
No classification provided (evidence only). Condition: Malignant lymphoma, large B-cell, diffuse. Review status: no classification provided. Collection method: in vitro. Allele origin: not applicable. Functional consequence: retained intron. Not counted in ClinVar's aggregate classification.

Dr. Peter K. Rogan Lab, Western University
No classification provided (evidence only). Condition: Hepatocellular carcinoma. Review status: no classification provided. Collection method: in vitro. Allele origin: not applicable. Functional consequence: retained intron. Not counted in ClinVar's aggregate classification.

Dr. Peter K. Rogan Lab, Western University
No classification provided (evidence only). Condition: Hepatocellular carcinoma. Review status: no classification provided. Collection method: in vitro. Allele origin: not applicable. Functional consequence: skipped exon, retained intron. Not counted in ClinVar's aggregate classification.

Dr. Peter K. Rogan Lab, Western University
No classification provided (evidence only). Condition: Cholangiocarcinoma. Review status: no classification provided. Collection method: in vitro. Allele origin: not applicable. Functional consequence: retained intron. Not counted in ClinVar's aggregate classification.

Dr. Peter K. Rogan Lab, Western University
No classification provided (evidence only). Condition: Uterine carcinosarcoma. Review status: no classification provided. Collection method: in vitro. Allele origin: not applicable. Functional consequence: retained intron. Not counted in ClinVar's aggregate classification.

Dr. Peter K. Rogan Lab, Western University
No classification provided (evidence only). Condition: Uterine carcinosarcoma. Review status: no classification provided. Collection method: in vitro. Allele origin: not applicable. Functional consequence: skipped exon. Not counted in ClinVar's aggregate classification.

Dr. Peter K. Rogan Lab, Western University
No classification provided (evidence only). Condition: Uterine carcinosarcoma. Review status: no classification provided. Collection method: in vitro. Allele origin: not applicable. Functional consequence: retained intron. Not counted in ClinVar's aggregate classification.

Dr. Peter K. Rogan Lab, Western University
No classification provided (evidence only). Condition: Uterine carcinosarcoma. Review status: no classification provided. Collection method: in vitro. Allele origin: not applicable. Functional consequence: skipped exon, retained intron. Not counted in ClinVar's aggregate classification.

Dr. Peter K. Rogan Lab, Western University
No classification provided (evidence only). Condition: Uterine carcinosarcoma. Review status: no classification provided. Collection method: in vitro. Allele origin: not applicable. Functional consequence: retained intron. Not counted in ClinVar's aggregate classification.

Dr. Peter K. Rogan Lab, Western University
No classification provided (evidence only). Condition: Uterine carcinosarcoma. Review status: no classification provided. Collection method: in vitro. Allele origin: not applicable. Functional consequence: skipped exon. Not counted in ClinVar's aggregate classification.

Dr. Peter K. Rogan Lab, Western University
No classification provided (evidence only). Condition: Uterine carcinosarcoma. Review status: no classification provided. Collection method: in vitro. Allele origin: not applicable. Functional consequence: skipped exon, retained intron. Not counted in ClinVar's aggregate classification.

Dr. Peter K. Rogan Lab, Western University
No classification provided (evidence only). Condition: Uveal melanoma. Review status: no classification provided. Collection method: in vitro. Allele origin: not applicable. Functional consequence: retained intron. Not counted in ClinVar's aggregate classification.

Dr. Peter K. Rogan Lab, Western University
No classification provided (evidence only). Condition: Uveal melanoma. Review status: no classification provided. Collection method: in vitro. Allele origin: not applicable. Functional consequence: skipped exon, retained intron. Not counted in ClinVar's aggregate classification.

Dr. Peter K. Rogan Lab, Western University
No classification provided (evidence only). Condition: Chronic lymphocytic leukemia/small lymphocytic lymphoma. Review status: no classification provided. Collection method: in vitro. Allele origin: not applicable. Functional consequence: retained intron. Not counted in ClinVar's aggregate classification.

Dr. Peter K. Rogan Lab, Western University
No classification provided (evidence only). Condition: Chronic lymphocytic leukemia/small lymphocytic lymphoma. Review status: no classification provided. Collection method: in vitro. Allele origin: not applicable. Functional consequence: skipped exon. Not counted in ClinVar's aggregate classification.

Dr. Peter K. Rogan Lab, Western University
No classification provided (evidence only). Condition: Nonpapillary renal cell carcinoma. Review status: no classification provided. Collection method: in vitro. Allele origin: not applicable. Functional consequence: skipped exon. Not counted in ClinVar's aggregate classification.

Dr. Peter K. Rogan Lab, Western University
No classification provided (evidence only). Condition: Nonpapillary renal cell carcinoma. Review status: no classification provided. Collection method: in vitro. Allele origin: not applicable. Functional consequence: retained intron. Not counted in ClinVar's aggregate classification.

Dr. Peter K. Rogan Lab, Western University
No classification provided (evidence only). Condition: Nonpapillary renal cell carcinoma. Review status: no classification provided. Collection method: in vitro. Allele origin: not applicable. Functional consequence: retained intron. Not counted in ClinVar's aggregate classification.

NM_000478.6(ALPL):c.863-12C>G

Gene: ALPL (alkaline phosphatase, biomineralization associated; plus strand). Cytogenetic location: 1p36.12.
Variant type: single nucleotide variant.
Coding change: c.863-12C>G on transcript NM_000478.6 (MANE Select); 12 bases into the intron before coding-DNA position 863, C replaced by G.
Molecular consequence: intron variant.
Genome position (GRCh38, 1-based): chr1:21,573,653, C>G. VCF-style: chr1-21573653-C-G. GRCh37 (hg19) VCF-style: chr1-21900146-C-G.
Other names: c.863-12C>G (NM_001369805.2, NM_001369804.2, NM_001369803.2); c.698-12C>G (NM_001127501.4); c.632-12C>G (NM_001177520.3).
Identifiers: ClinVar variation 256234 (VCV000256234.28), dbSNP rs75829132, ClinGen allele CA666660.